The following is an entry in ClinVar:

NM_003571.4(BFSP2):c.437G>T (p.Arg146Leu)

Gene: BFSP2 (beaded filament structural protein 2; plus strand). Cytogenetic location: 3q22.1.
Variant type: single nucleotide variant.
Coding change: c.437G>T on transcript NM_003571.4 (MANE Select); coding-DNA position 437, G replaced by T.
Protein change: p.Arg146Leu; replaces arginine 146 with leucine.
Molecular consequence: missense variant.
Genome position (GRCh38, 1-based): chr3:133,400,520, G>T. VCF-style: chr3-133400520-G-T. GRCh37 (hg19) VCF-style: chr3-133119364-G-T.
Other names: short protein forms R146L.
Identifiers: ClinVar variation 343408 (VCV000343408.5), dbSNP rs148759360, ClinGen allele CA2623250.

ClinVar aggregate classification (germline): Likely benign (1 of 4 stars; one submission).

Conditions:
Cataract 12 multiple types. Identifiers: Orphanet 91492, MedGen C3808115, MONDO:0012701, OMIM 611597.

Allele frequency attached by ClinVar (database versions not stated): TOPMed 0.00010; ESP Exome Variant Server 0.00015.
gnomAD v4.1: 245 of 1,613,640 alleles (0.015%); highest among the groups gnomAD compares: Non-Finnish European, 0.02%; no homozygotes.

Submission:

Illumina Laboratory Services, Illumina
Classification: Likely benign for Cataract 12 multiple types. Last evaluated: 2018-01-13. Review status: criteria provided, single submitter. Criteria: ICSL Variant Classification Criteria 13 December 2019. Collection method: clinical testing. Allele origin: germline.
Comment: This variant was observed in the ICSL laboratory as part of a predisposition screen in an ostensibly healthy population. It had not been previously curated by ICSL or reported in the Human Gene Mutation Database (HGMD: prior to June 1st, 2018), and was therefore a candidate for classification through an automated scoring system. Utilizing variant allele frequency, disease prevalence and penetrance estimates, and inheritance mode, an automated score was calculated to assess if this variant is too frequent to cause the disease. Based on the score and internal cut-off values, a variant classified as likely benign is not then subjected to further curation. The score for this variant resulted in a classification of likely benign for this disease.